The following is an entry in ClinVar:

GRCh37/hg19 6p25.3-25.2(chr6:156975-2836366)x3

Genes: DUSP22 (dual specificity phosphatase 22; plus strand), EXOC2 (exocyst complex component 2; minus strand), FOXC1 (forkhead box C1; plus strand), FOXF2 (forkhead box F2; plus strand), FOXQ1 (forkhead box Q1; plus strand) and 7 more. Cytogenetic location: 6p25.3-25.2.
Variant type: copy number gain.
Change: copy number 3 (three copies instead of two) of chr6:156,975-2,836,366 (2.68 Mb, GRCh37 coordinates, 1-based), cytogenetic band 6p25.3-25.2.
Identifiers: ClinVar variation 3391822 (VCV003391822.1).

ClinVar aggregate classification (germline): Likely pathogenic (1 of 4 stars; one submission).

Submission:

Quest Diagnostics Nichols Institute San Juan Capistrano
Classification: Likely pathogenic. Last evaluated: 2024-04-24. Review status: criteria provided, single submitter. Criteria: ACMG/ClinGen CNV Guidelines, 2019. Collection method: clinical testing. Allele origin: unknown.
Comment: This copy number gain involves multiple protein-coding genes. Heterozygous duplications involving FOXC1 have been reported in numerous individuals and families (Chesneau 2022, Patel 2019, Souzeau 2006, Chanda 2008, Lang 2020, Lehmann 2000, Nishimura 2001). Duplications within the current interval involving FOXC1 and other genes have also been identified in probands (Aldinger 2009, Lang 2020, Souzeau 2017). There are no similar copy number gains spanning this region in the general populations of the Database of Genomic Variants. Thus, this CNV is classified as likely pathogenic. References: Aldinger et al., Nat Genet. 2009 Sep;41(9):1037-42. PMID: 19668217; Chanda et al., Hum Mol Genet. 2008 Nov 15;17(22):3446-58. PMID: 18694899; Chesneau et al., Clin Genet. 2022 May;101(5-6):494-506. PMID: 35170016; Lang et al., Transl Vis Sci Technol. 2020 Jun 30;9(7):47. PMID: 32832252; Lehmann et al., Am J Hum Genet. 2000 Nov;67(5):1129-35. PMID: 11007653; Nishimura et al., Am J Hum Genet. 2001 Feb;68(2):364-72. PMID: 11170889; Patel et al., Ophthalmology. 2019 Jun;126(6):888-907. PMID: 30653986; Souzeau et al., Invest Ophthalmol Vis Sci. 2006 May; 47(5):1803-9. PMID: 28513611